The following is an entry in ClinVar:

NM_001379500.1(COL18A1):c.1257C>T (p.Thr419=)

Gene: COL18A1 (collagen type XVIII alpha 1 chain; plus strand). Cytogenetic location: 21q22.3.
Variant type: single nucleotide variant.
Coding change: c.1257C>T on transcript NM_001379500.1 (MANE Select); coding-DNA position 1257, C replaced by T.
Protein change: p.Thr419=; no amino-acid change (threonine 419 retained).
Molecular consequence: synonymous variant.
Genome position (GRCh38, 1-based): chr21:45,479,910, C>T. VCF-style: chr21-45479910-C-T. GRCh37 (hg19) VCF-style: chr21-46899824-C-T.
Other names: c.1797C>T (NM_030582.3); c.1797C>T, p.Thr599= (NM_030582.4); c.2502C>T, p.Thr834= (NM_130444.3).
Identifiers: ClinVar variation 1641370 (VCV001641370.10), dbSNP rs183085141, ClinGen allele CA10066209.

ClinVar aggregate classification (germline): Likely benign. Review status: criteria provided, multiple submitters, no conflicts (2 of 4 stars). 3 submissions from 3 submitters: Likely benign (2). 1 of the submissions does not count toward it. Last evaluated 2026-02-02.

Conditions:
COL18A1-related disorder. Also called: COL18A1-related condition; COL18A1-related disorders.

gnomAD v4.1: 160 of 1,613,548 alleles (0.0099%); highest among the groups gnomAD compares: Middle Eastern, 0.033%; no homozygotes.

Submissions (3):

Labcorp Genetics (formerly Invitae), Labcorp
Classification: Likely benign. Last evaluated: 2026-02-02. Review status: criteria provided, single submitter. Criteria: Invitae Variant Classification Sherloc (09022015). Collection method: clinical testing. Allele origin: germline.

Blueprint Genetics
Classification: Likely benign. Last evaluated: 2024-07-15. Review status: criteria provided, single submitter. Criteria: ACMG Guidelines, 2015. Collection method: clinical testing. Allele origin: germline.

PreventionGenetics, part of Exact Sciences
Classification: Likely benign for COL18A1-related condition. Last evaluated: 2024-08-07. Review status: no assertion criteria provided. Collection method: clinical testing. Allele origin: germline. Not counted in ClinVar's aggregate classification.
Comment: This variant is classified as likely benign based on ACMG/AMP sequence variant interpretation guidelines (Richards et al. 2015 PMID: 25741868, with internal and published modifications).